The following is an entry in ClinVar:

NM_080669.6(SLC46A1):c.539G>T (p.Arg180Leu)

Gene: SLC46A1 (solute carrier family 46 member 1; minus strand). Cytogenetic location: 17q11.2.
Variant type: single nucleotide variant.
Coding change: c.539G>T on transcript NM_080669.6 (MANE Select); coding-DNA position 539, G replaced by T.
Protein change: p.Arg180Leu; replaces arginine 180 with leucine.
Molecular consequence: missense variant.
Genome position (GRCh38, 1-based): chr17:28,405,158, C>A on the plus strand (G>T on the coding strand, the complement: SLC46A1 is on the minus strand). VCF-style: chr17-28405158-C-A. GRCh37 (hg19) VCF-style: chr17-26732176-C-A.
Other names: c.539G>T, p.Arg180Leu (NM_001242366.3); c.539G>T (NM_080669.4); short protein forms R180L.
Identifiers: ClinVar variation 1381137 (VCV001381137.8), dbSNP rs1205116499, ClinGen allele CA398350946.

ClinVar aggregate classification (germline): Uncertain significance. Review status: criteria provided, multiple submitters, no conflicts (2 of 4 stars). 3 submissions from 3 submitters: Uncertain significance (3). Last evaluated 2025-08-09.

Conditions:
Inborn genetic diseases. Identifiers: MedGen C0950123, MeSH D030342.

Allele frequency attached by ClinVar (database versions not stated): gnomAD exomes below 0.00001; TOPMed 0.00001.
gnomAD v4.1: 16 of 1,610,852 alleles (0.00099%); highest among the groups gnomAD compares: Non-Finnish European, 0.0014%; no homozygotes.

Submissions (3):

Ambry Genetics
Classification: Uncertain significance for Inborn genetic diseases. Last evaluated: 2025-08-09. Review status: criteria provided, single submitter. Criteria: Ambry Variant Classification Scheme 2023. Collection method: clinical testing. Allele origin: germline.

Labcorp Genetics (formerly Invitae), Labcorp
Classification: Uncertain significance. Last evaluated: 2021-11-30. Review status: criteria provided, single submitter. Criteria: Invitae Variant Classification Sherloc (09022015). Collection method: clinical testing. Allele origin: germline.
Comment: This sequence change replaces arginine, which is basic and polar, with leucine, which is neutral and non-polar, at codon 180 of the SLC46A1 protein (p.Arg180Leu). The frequency data for this variant in the population databases is considered unreliable, as metrics indicate poor data quality at this position in the gnomAD database. This variant has not been reported in the literature in individuals affected with SLC46A1-related conditions. Experimental studies and prediction algorithms are not available or were not evaluated, and the functional significance of this variant is currently unknown. In summary, the available evidence is currently insufficient to determine the role of this variant in disease. Therefore, it has been classified as a Variant of Uncertain Significance.

Blueprint Genetics
Classification: Uncertain significance. Last evaluated: 2021-08-05. Review status: criteria provided, single submitter. Criteria: ACMG Guidelines, 2015. Collection method: clinical testing. Allele origin: germline.